The following is an entry in ClinVar:

NM_000587.4(C7):c.1542A>G (p.Gln514=)

Gene: C7 (complement C7; plus strand). Cytogenetic location: 5p13.1.
Variant type: single nucleotide variant.
Coding change: c.1542A>G on transcript NM_000587.4 (MANE Select); coding-DNA position 1542, A replaced by G.
Protein change: p.Gln514=; no amino-acid change (glutamine 514 retained).
Molecular consequence: synonymous variant.
Genome position (GRCh38, 1-based): chr5:40,959,501, A>G. VCF-style: chr5-40959501-A-G. GRCh37 (hg19) VCF-style: chr5-40959603-A-G.
Other names: c.1542A>G (NM_000587.3).
Identifiers: ClinVar variation 1630486 (VCV001630486.11), dbSNP rs189122703, ClinGen allele CA3250012.

ClinVar aggregate classification (germline): Benign/Likely benign. Review status: criteria provided, multiple submitters, no conflicts (2 of 4 stars). 3 submissions from 3 submitters: Benign (1); Likely benign (1). 1 of the submissions does not count toward it. Last evaluated 2026-01-21.

Conditions:
C7-related disorder. Also called: C7-related condition.

Allele frequency attached by ClinVar (database versions not stated): gnomAD exomes 0.00020 and 0.00044; ExAC 0.00051; ESP Exome Variant Server 0.00108; gnomAD 0.00108 and 0.00109; TOPMed 0.00136; 1000 Genomes Project 30x 0.00203; 1000 Genomes Project 0.00260.
gnomAD v4.1: 477 of 1,611,518 alleles (0.03%); highest among the groups gnomAD compares: African/African-American, 0.39%; 4 homozygotes.

Submissions (3):

Labcorp Genetics (formerly Invitae), Labcorp
Classification: Benign. Last evaluated: 2026-01-21. Review status: criteria provided, single submitter. Criteria: Invitae Variant Classification Sherloc (09022015). Collection method: clinical testing. Allele origin: germline.

Blueprint Genetics
Classification: Likely benign. Last evaluated: 2024-10-09. Review status: criteria provided, single submitter. Criteria: ACMG Guidelines, 2015. Collection method: clinical testing. Allele origin: germline.

PreventionGenetics, part of Exact Sciences
Classification: Likely benign for C7-related condition. Last evaluated: 2020-01-27. Review status: no assertion criteria provided. Collection method: clinical testing. Allele origin: germline. Not counted in ClinVar's aggregate classification.
Comment: This variant is classified as likely benign based on ACMG/AMP sequence variant interpretation guidelines (Richards et al. 2015 PMID: 25741868, with internal and published modifications).